The following is an entry in ClinVar:

NM_001291415.2(KDM6A):c.1046A>G (p.His349Arg)

Gene: KDM6A (lysine demethylase 6A; plus strand). Cytogenetic location: Xp11.3.
Variant type: single nucleotide variant.
Coding change: c.1046A>G on transcript NM_001291415.2 (MANE Select); coding-DNA position 1046, A replaced by G.
Protein change: p.His349Arg; replaces histidine 349 with arginine.
Molecular consequence: missense variant. On other transcripts: non-coding transcript variant (1).
Genome position (GRCh38, 1-based): chrX:45,059,318, A>G. VCF-style: chrX-45059318-A-G. GRCh37 (hg19) VCF-style: chrX-44918563-A-G.
Other names: c.1046A>G, p.His349Arg (NM_001291416.2, NM_001291417.2, NM_001291418.2 and 9 more transcripts); c.293A>G, p.His98Arg (NM_001291421.2); short protein forms H98R, H349R.
Identifiers: ClinVar variation 4711511 (VCV004711511.1).
Genomic context (GRCh38, chrX:45,059,318, plus strand): 5'-AGCAGCAAAATCAGCCCATGGATGCTTTACAGGCCTATATTTGTGCTGTACAATTGGACC[A>G]TGGCCATGCTGCAGCCTGGATGGACCTAGGCACTCTCTATGAATCCTGCAACCAGCCTCA-3'
Protein context (NP_001278344.1, residues 339-359): QAYICAVQLD[His349Arg]GHAAAWMDLG

ClinVar aggregate classification (germline): Uncertain significance (1 of 4 stars; one submission).

Conditions:
Kabuki syndrome 2 (KABUK2). Also called: KDM6A-Related Kabuki Syndrome. Identifiers: Orphanet 2322, MedGen C3275495, MONDO:0010465, OMIM 300867.

Submission:

Labcorp Genetics (formerly Invitae), Labcorp
Classification: Uncertain significance for Kabuki syndrome 2. Last evaluated: 2025-02-20. Review status: criteria provided, single submitter. Criteria: Invitae Variant Classification Sherloc (09022015). Collection method: clinical testing. Allele origin: germline.
Comment: This sequence change replaces histidine, which is basic and polar, with arginine, which is basic and polar, at codon 349 of the KDM6A protein (p.His349Arg). This variant is not present in population databases (gnomAD no frequency). This variant has not been reported in the literature in individuals affected with KDM6A-related conditions. Invitae Evidence Modeling of protein sequence and biophysical properties (such as structural, functional, and spatial information, amino acid conservation, physicochemical variation, residue mobility, and thermodynamic stability) indicates that this missense variant is not expected to disrupt KDM6A protein function with a negative predictive value of 80%. In summary, the available evidence is currently insufficient to determine the role of this variant in disease. Therefore, it has been classified as a Variant of Uncertain Significance.